The following is an entry in ClinVar:

NM_004974.4(KCNA2):c.686G>A (p.Cys229Tyr)

Gene: KCNA2 (potassium voltage-gated channel subfamily A member 2; minus strand). Cytogenetic location: 1p13.3.
Variant type: single nucleotide variant.
Coding change: c.686G>A on transcript NM_004974.4 (MANE Select); coding-DNA position 686, G replaced by A.
Protein change: p.Cys229Tyr; replaces cysteine 229 with tyrosine.
Molecular consequence: missense variant.
Genome position (GRCh38, 1-based): chr1:110,604,097, C>T on the plus strand (G>A on the coding strand, the complement: KCNA2 is on the minus strand). VCF-style: chr1-110604097-C-T. GRCh37 (hg19) VCF-style: chr1-111146719-C-T.
Other names: c.686G>A (NM_004974.3); c.686G>A, p.Cys229Tyr (NM_001204269.2); short protein forms C229Y.
Identifiers: ClinVar variation 1425551 (VCV001425551.9), dbSNP rs2101400052, ClinGen allele CA341603440.

ClinVar aggregate classification (germline): Uncertain significance. Review status: criteria provided, multiple submitters, no conflicts (2 of 4 stars). 2 submissions from 2 submitters: Uncertain significance (2). Last evaluated 2026-02-12.

Conditions:
Developmental and epileptic encephalopathy, 32 (DEE32). Also called: Epileptic encephalopathy, early infantile, 32. Identifiers: Orphanet 442835, MedGen C4225350, MONDO:0014607, OMIM 616366.

Submissions (2):

GeneDx
Classification: Uncertain significance. Last evaluated: 2026-02-12. Review status: criteria provided, single submitter. Criteria: GeneDx Variant Classification Process June 2021. Collection method: clinical testing. Allele origin: germline.
Comment: Not observed at significant frequency in large population cohorts (gnomAD); In silico analysis supports that this missense variant has a deleterious effect on protein structure/function; Has not been previously published as pathogenic or benign to our knowledge

Labcorp Genetics (formerly Invitae), Labcorp
Classification: Uncertain significance for Developmental and epileptic encephalopathy, 32. Last evaluated: 2025-09-07. Review status: criteria provided, single submitter. Criteria: Invitae Variant Classification Sherloc (09022015). Collection method: clinical testing. Allele origin: germline.
Comment: This sequence change replaces cysteine, which is neutral and slightly polar, with tyrosine, which is neutral and polar, at codon 229 of the KCNA2 protein (p.Cys229Tyr). This variant is not present in population databases (gnomAD no frequency). This variant has not been reported in the literature in individuals affected with KCNA2-related conditions. ClinVar contains an entry for this variant (Variation ID: 1425551). Invitae Evidence Modeling of protein sequence and biophysical properties (such as structural, functional, and spatial information, amino acid conservation, physicochemical variation, residue mobility, and thermodynamic stability) indicates that this missense variant is expected to disrupt KCNA2 protein function with a positive predictive value of 95%. In summary, the available evidence is currently insufficient to determine the role of this variant in disease. Therefore, it has been classified as a Variant of Uncertain Significance.